The following is an entry in ClinVar:

NM_001035.3(RYR2):c.2397A>C (p.Lys799Asn)

Gene: RYR2 (ryanodine receptor 2; plus strand). Cytogenetic location: 1q43.
Variant type: single nucleotide variant.
Coding change: c.2397A>C on transcript NM_001035.3 (MANE Select); coding-DNA position 2397, A replaced by C.
Protein change: p.Lys799Asn; replaces lysine 799 with asparagine.
Molecular consequence: missense variant.
Genome position (GRCh38, 1-based): chr1:237,503,289, A>C. VCF-style: chr1-237503289-A-C. GRCh37 (hg19) VCF-style: chr1-237666589-A-C.
Other names: short protein forms K799N.
Identifiers: ClinVar variation 1332522 (VCV001332522.9), dbSNP rs1558931160, ClinGen allele CA345378602.

ClinVar aggregate classification (germline): Uncertain significance. Review status: criteria provided, multiple submitters, no conflicts (2 of 4 stars). 2 submissions from 2 submitters: Uncertain significance (2). Last evaluated 2022-07-12.

Conditions:
Catecholaminergic polymorphic ventricular tachycardia 1. Also called: VENTRICULAR TACHYCARDIA, CATECHOLAMINERGIC POLYMORPHIC, 1, WITH OR WITHOUT ATRIAL DYSFUNCTION AND/OR DILATED CARDIOMYOPATHY; VENTRICULAR TACHYCARDIA, STRESS-INDUCED POLYMORPHIC 1; RYR2-Related Catecholaminergic Polymorphic Ventricular Tachycardia. Identifiers: Orphanet 3286, MedGen C1631597, MONDO:0011484, OMIM 604772.
Cardiomyopathy (CMYO). Also called: Cardiomyopathies. Identifiers: Orphanet 167848, MedGen C0878544, MONDO:0004994, HP:0001638. Inheritance: Various modes of inheritance.

Submissions (2):

Labcorp Genetics (formerly Invitae), Labcorp
Classification: Uncertain significance for Catecholaminergic polymorphic ventricular tachycardia 1. Last evaluated: 2022-07-12. Review status: criteria provided, single submitter. Criteria: Invitae Variant Classification Sherloc (09022015). Collection method: clinical testing. Allele origin: germline.
Comment: In summary, the available evidence is currently insufficient to determine the role of this variant in disease. Therefore, it has been classified as a Variant of Uncertain Significance. Algorithms developed to predict the effect of missense changes on protein structure and function (SIFT, PolyPhen-2, Align-GVGD) all suggest that this variant is likely to be disruptive. This missense change has been observed in individual(s) with Long QT syndrome (PMID: 29434162). This variant is not present in population databases (gnomAD no frequency). This sequence change replaces lysine, which is basic and polar, with asparagine, which is neutral and polar, at codon 799 of the RYR2 protein (p.Lys799Asn).

Color Diagnostics, LLC DBA Color Health
Classification: Uncertain significance for Cardiomyopathy. Last evaluated: 2021-06-07. Review status: criteria provided, single submitter. Criteria: ACMG Guidelines, 2015. Collection method: clinical testing. Allele origin: germline.
Comment: This missense variant replaces lysine with asparagine at codon 799 of the RYR2 protein. Computational prediction suggests that this variant may not impact protein structure and function (internally defined REVEL score threshold <= 0.5, PMID: 27666373). To our knowledge, functional studies have not been reported for this variant. This variant has not been reported in individuals affected with cardiovascular disorders in the literature. This variant has not been identified in the general population by the Genome Aggregation Database (gnomAD). The available evidence is insufficient to determine the role of this variant in disease conclusively. Therefore, this variant is classified as a Variant of Uncertain Significance.

Literature cited by the submitters: PubMed 29434162 (cited by Labcorp Genetics (formerly Invitae), Labcorp).